The following is an entry in ClinVar:

ClinVar aggregate classification (germline): Likely benign (0 of 4 stars; one submission).

Conditions:
RPS6KA3-related disorder. Also called: RPS6KA3-related condition.

gnomAD v4.1: 1 of 1,195,311 alleles (0.000084%); highest among the groups gnomAD compares: Admixed American, 0.0022%; no homozygotes.

Submission:

PreventionGenetics, part of Exact Sciences
Classification: Likely benign for RPS6KA3-related condition. Last evaluated: 2024-06-11. Review status: no assertion criteria provided. Collection method: clinical testing. Allele origin: germline.
Comment: This variant is classified as likely benign based on ACMG/AMP sequence variant interpretation guidelines (Richards et al. 2015 PMID: 25741868, with internal and published modifications).

NM_004586.3(RPS6KA3):c.111G>A (p.Glu37=)

Gene: RPS6KA3 (ribosomal protein S6 kinase A3; minus strand). Cytogenetic location: Xp22.12.
Variant type: single nucleotide variant.
Coding change: c.111G>A on transcript NM_004586.3 (MANE Select); coding-DNA position 111, G replaced by A.
Protein change: p.Glu37=; no amino-acid change (glutamic acid 37 retained).
Molecular consequence: synonymous variant.
Genome position (GRCh38, 1-based): chrX:20,234,773, C>T on the plus strand (G>A on the coding strand, the complement: RPS6KA3 is on the minus strand). VCF-style: chrX-20234773-C-T. GRCh37 (hg19) VCF-style: chrX-20252891-C-T.
Identifiers: ClinVar variation 3348298 (VCV003348298.1).
Genomic context (GRCh38, chrX:20,234,773, plus strand): 5'-GTATTTCATTTATCTATACCCTTTGTGATAAAATATTTTACTTACAGTTTGTGGGTTAAT[C>T]TCCTCCTCTCCCATAGGTTCATCCATAATTTGCTGTCCATTCTGTGAAAAGCACAGCAAG-3'
Protein context (NP_004577.1, residues 27-47): QIMDEPMGEE[Glu37=]INPQTEEVSI